The following is an entry in ClinVar:

NM_001875.5(CPS1):c.1145C>T (p.Pro382Leu)

Gene: CPS1 (carbamoyl-phosphate synthase 1; plus strand). Cytogenetic location: 2q34.
Variant type: single nucleotide variant.
Coding change: c.1145C>T on transcript NM_001875.5 (MANE Select); coding-DNA position 1145, C replaced by T.
Protein change: p.Pro382Leu; replaces proline 382 with leucine.
Molecular consequence: missense variant. On other transcripts: non-coding transcript variant (1).
Genome position (GRCh38, 1-based): chr2:210,592,937, C>T. VCF-style: chr2-210592937-C-T. GRCh37 (hg19) VCF-style: chr2-211457661-C-T.
Other names: c.1145C>T, p.Pro382Leu (NM_001122633.3, NM_001369257.1); c.1178C>T, p.Pro393Leu (NM_001369256.1); c.1145C>T (LRG_336t1); short protein forms P382L, P393L.
Identifiers: ClinVar variation 550641 (VCV000550641.18), dbSNP rs201407486, ClinGen allele CA2086267.

ClinVar aggregate classification (germline): Pathogenic/Likely pathogenic. Review status: criteria provided, multiple submitters, no conflicts (2 of 4 stars). 8 submissions from 8 submitters: Pathogenic (1); Likely pathogenic (6). 1 of the submissions does not count toward it. Last evaluated 2025-04-17.

Conditions:
Pulmonary hypertension, neonatal, susceptibility to (PHN). Identifiers: MedGen C3714958, MONDO:0014151, OMIM 615371.
Congenital hyperammonemia, type I. Also called: Carbamoyl phosphate synthetase I deficiency disease; CPS I DEFICIENCY; Carbamoyl phosphate synthetase 1 deficiency; Hyperammonemia due to carbamoyl phosphate synthetase 1 deficiency; CPS 1 deficiency; Carbamyl phosphate synthetase (CPS) deficiency. Identifiers: Orphanet 147, MedGen C4082171, MONDO:0009376, OMIM 237300.

Allele frequency attached by ClinVar (database versions not stated): ExAC 0.00002; gnomAD 0.00003; gnomAD exomes 0.00003 and 0.00004.
gnomAD v4.1: 39 of 1,612,068 alleles (0.0024%); highest among the groups gnomAD compares: Non-Finnish European, 0.0029%; no homozygotes.

Submissions (8):

Natera, Inc.
Classification: Pathogenic for Carbamoyl-phosphate synthase I deficiency. Last evaluated: 2025-04-17. Review status: criteria provided, single submitter. Criteria: Natera Variant Classification Schema (03/2026). Collection method: clinical testing. Allele origin: germline.
Comment: The c.1145C>T variant in CPS1 is a missense variant predicted to cause substitution of proline to leucine at amino acid 382. This variant is rare in the general population with a frequency below the threshold expected for the associated phenotype(s). This variant has been observed in one or more individuals affected with the associated recessive disease, as either homozygous or compound heterozygous with a second variant (PMID: 37365635, 39174957, 38582244). Computational prediction algorithms indicate this variant is likely to affect gene or protein function. Given the available evidence, this variant is classified as Pathogenic.

Laboratoire Génétique Moléculaire, CHRU TOURS
Classification: Likely pathogenic for Congenital hyperammonemia, type I. Last evaluated: 2025-02-21. Review status: criteria provided, single submitter. Criteria: ACMG Guidelines, 2015. Collection method: clinical testing. Allele origin: maternal. Affected: yes.
Comment: PM2;PM3;PP3;PP4;PP5

Fulgent Genetics
Classification: Likely pathogenic for Congenital hyperammonemia, type I; Pulmonary hypertension, neonatal, susceptibility to. Last evaluated: 2024-04-30. Review status: criteria provided, single submitter. Criteria: ACMG Guidelines, 2015. Collection method: clinical testing. Allele origin: germline.

Labcorp Genetics (formerly Invitae), Labcorp
Classification: Likely pathogenic for Congenital hyperammonemia, type I. Last evaluated: 2024-02-26. Review status: criteria provided, single submitter. Criteria: Invitae Variant Classification Sherloc (09022015). Collection method: clinical testing. Allele origin: germline.
Comment: This sequence change replaces proline, which is neutral and non-polar, with leucine, which is neutral and non-polar, at codon 382 of the CPS1 protein (p.Pro382Leu). The frequency data for this variant in the population databases is considered unreliable, as metrics indicate poor data quality at this position in the gnomAD database. This missense change has been observed in individual(s) with clinical features of carbamoyl phosphate synthetase I deficiency (PMID: 21120950, 22173106, 31749211, 34298581). In at least one individual the data is consistent with being in trans (on the opposite chromosome) from a pathogenic variant. ClinVar contains an entry for this variant (Variation ID: 550641). Advanced modeling of protein sequence and biophysical properties (such as structural, functional, and spatial information, amino acid conservation, physicochemical variation, residue mobility, and thermodynamic stability) performed at Invitae indicates that this missense variant is not expected to disrupt CPS1 protein function with a negative predictive value of 95%. In summary, the currently available evidence indicates that the variant is pathogenic, but additional data are needed to prove that conclusively. Therefore, this variant has been classified as Likely Pathogenic.

Baylor Genetics
Classification: Likely pathogenic for Pulmonary hypertension, neonatal, susceptibility to. Last evaluated: 2024-02-20. Review status: criteria provided, single submitter. Criteria: ACMG Guidelines, 2015. Collection method: clinical testing. Allele origin: unknown.

The Laboratory of Genetics and Metabolism, Hunan Children’s Hospital
Classification: Likely pathogenic for Congenital hyperammonemia, type I. Last evaluated: 2021-03-06. Review status: criteria provided, single submitter. Criteria: ACMG Guidelines, 2015. Collection method: research. Allele origin: paternal. Affected: yes. Observed: 1 variant allele.
Comment: In compound heterozygosity following autosomal recessive inheritance.

Juno Genomics, Hangzhou Juno Genomics, Inc
Classification: Likely pathogenic for Congenital hyperammonemia, type I. Review status: criteria provided, single submitter. Criteria: ACMG Guidelines, 2015. Collection method: clinical testing. Allele origin: germline.
Comment: Absent from controls (or at extremely low frequency if recessive) in Genome Aggregation Database.;Multiple lines of computational evidence support a deleterious effect on the gene or gene product.;For recessive disorders, detected in trans with a pathogenic variant.

Counsyl
Classification: Uncertain significance for Congenital hyperammonemia, type I. Last evaluated: 2017-02-14. Review status: no assertion criteria provided. Collection method: clinical testing. Allele origin: unknown. Not counted in ClinVar's aggregate classification.

Literature cited by the submitters: PubMed 37365635 (cited by Natera, Inc.); PubMed 39174957 (cited by Natera, Inc.); PubMed 38582244 (cited by Natera, Inc.); PubMed 21120950 (cited by Labcorp Genetics (formerly Invitae), Labcorp and Counsyl); PubMed 22173106 (cited by Labcorp Genetics (formerly Invitae), Labcorp and Counsyl); PubMed 31749211 (cited by Labcorp Genetics (formerly Invitae), Labcorp); PubMed 34298581 (cited by Labcorp Genetics (formerly Invitae), Labcorp and The Laboratory of Genetics and Metabolism, Hunan Children’s Hospital).